The following is an entry in ClinVar:

NM_003865.3(HESX1):c.244G>C (p.Glu82Gln)

Gene: HESX1 (HESX homeobox 1; minus strand). Cytogenetic location: 3p14.3.
Variant type: single nucleotide variant.
Coding change: c.244G>C on transcript NM_003865.3 (MANE Select); coding-DNA position 244, G replaced by C.
Protein change: p.Glu82Gln; replaces glutamic acid 82 with glutamine.
Molecular consequence: missense variant.
Genome position (GRCh38, 1-based): chr3:57,198,866, C>G on the plus strand (G>C on the coding strand, the complement: HESX1 is on the minus strand). VCF-style: chr3-57198866-C-G. GRCh37 (hg19) VCF-style: chr3-57232894-C-G.
Other names: c.244G>C, p.Glu82Gln (NM_001376058.1, NM_001376059.1, NM_001376060.1 and 1 more transcripts); short protein forms E82Q.
Identifiers: ClinVar variation 1306861 (VCV001306861.3), dbSNP rs980166573, ClinGen allele CA75378675.
Genomic context (GRCh38, chr3:57,198,866, plus strand): 5'-CTCTTTTCAAAGACAGTCTTTCTGAGGCTGAAAAGTAATTTTCATATTTCGAAGCTCTTT[C>G]TTCTGGCATTGGGTGATCCACCACGCTAGGGAATGAAATCCCACTGGGAGGATTTGGGAC-3'
Protein context (NP_003856.1, residues 72-92): PSVVDHPMPE[Glu82Gln]RASKYENYFS

ClinVar aggregate classification (germline): Uncertain significance. Review status: criteria provided, multiple submitters, no conflicts (2 of 4 stars). 2 submissions from 2 submitters: Uncertain significance (2). Last evaluated 2024-01-23.

Allele frequency attached by ClinVar (database versions not stated): gnomAD exomes below 0.00001; gnomAD 0.00001; TOPMed 0.00001.
gnomAD v4.1: 3 of 1,614,010 alleles (0.00019%); highest among the groups gnomAD compares: Admixed American, 0.005%; no homozygotes.

Submissions (2):

Women's Health and Genetics/Laboratory Corporation of America, LabCorp
Classification: Uncertain significance. Last evaluated: 2024-01-23. Review status: criteria provided, single submitter. Criteria: LabCorp Variant Classification Summary - May 2015. Collection method: clinical testing. Allele origin: germline.
Comment: Variant summary: HESX1 c.244G>C (p.Glu82Gln) results in a conservative amino acid change in the encoded protein sequence. Three of five in-silico tools predict a benign effect of the variant on protein function. The variant allele was found at a frequency of 4e-06 in 251390 control chromosomes. The available data on variant occurrences in the general population are insufficient to allow any conclusion about variant significance. To our knowledge, no occurrence of c.244G>C in individuals affected with HESX1-Related Disorders and no experimental evidence demonstrating its impact on protein function have been reported. ClinVar contains an entry for this variant (Variation ID: 1306861). Based on the evidence outlined above, the variant was classified as uncertain significance.

GeneDx
Classification: Uncertain significance. Last evaluated: 2019-07-10. Review status: criteria provided, single submitter. Criteria: GeneDx Variant Classification Process June 2021. Collection method: clinical testing. Allele origin: germline. Affected: yes.
Comment: Not observed in large population cohorts (Lek et al., 2016); In silico analysis, which includes protein predictors and evolutionary conservation, supports that this variant does not alter protein structure/function; Has not been previously published as pathogenic or benign to our knowledge